The following is an entry in ClinVar:

NM_001082486.1(ACD):c.83G>A (p.Ser28Asn)

Genes: ACD (ACD shelterin complex subunit and telomerase recruitment factor; minus strand), LOC130059224 (ATAC-STARR-seq lymphoblastoid silent region 7617; plus strand). Cytogenetic location: 16q22.1.
Variant type: single nucleotide variant.
Coding change: c.83G>A on transcript NM_001082486.1; coding-DNA position 83, G replaced by A.
Protein change: p.Ser28Asn; replaces serine 28 with asparagine.
Genome position (GRCh38, 1-based): chr16:67,660,396, C>T on the plus strand (G>A on the coding strand, the complement: ACD is on the minus strand). VCF-style: chr16-67660396-C-T. GRCh37 (hg19) VCF-style: chr16-67694299-C-T.
Other names: short protein forms S28N.
Identifiers: ClinVar variation 3232687 (VCV003232687.1), dbSNP rs2543613194, ClinGen allele CA396359872.

ClinVar aggregate classification (germline): Uncertain significance (1 of 4 stars; one submission).

Conditions:
Inborn genetic diseases. Identifiers: MedGen C0950123, MeSH D030342.

Allele frequency attached by ClinVar (database versions not stated): gnomAD exomes below 0.00001.

Submission:

Ambry Genetics
Classification: Uncertain significance for Inborn genetic diseases. Last evaluated: 2024-03-02. Review status: criteria provided, single submitter. Criteria: Ambry Variant Classification Scheme 2023. Collection method: clinical testing. Allele origin: germline.
Comment: The p.S28N variant (also known as c.83G>A), located in coding exon 1 of the ACD gene, results from a G to A substitution at nucleotide position 83. The serine at codon 28 is replaced by asparagine, an amino acid with highly similar properties. This amino acid position is conserved. In addition, this alteration is predicted to be tolerated by in silico analysis. Based on the available evidence, the clinical significance of this alteration remains unclear.